The following is an entry in ClinVar:

NM_000282.4(PCCA):c.931G>A (p.Glu311Lys)

Gene: PCCA (propionyl-CoA carboxylase subunit alpha; plus strand). Cytogenetic location: 13q32.3.
Variant type: single nucleotide variant.
Coding change: c.931G>A on transcript NM_000282.4 (MANE Select); coding-DNA position 931, G replaced by A.
Protein change: p.Glu311Lys; replaces glutamic acid 311 with lysine.
Molecular consequence: missense variant. On other transcripts: 5 prime UTR variant (3), non-coding transcript variant (5).
Genome position (GRCh38, 1-based): chr13:100,273,212, G>A. VCF-style: chr13-100273212-G-A. GRCh37 (hg19) VCF-style: chr13-100925466-G-A.
Other names: c.853G>A, p.Glu285Lys (NM_001127692.3, NM_001352607.2, NM_001352608.2); c.931G>A, p.Glu311Lys (NM_001178004.2, NM_001352605.2, NM_001352606.2 and 1 more transcripts); c.-15G>A (NM_001352610.2, NM_001352611.2, NM_001352612.2); short protein forms E285K, E311K.
Identifiers: ClinVar variation 3702124 (VCV003702124.2).
Genomic context (GRCh38, chr13:100,273,212, plus strand): 5'-GATTTTTGTCCGAAATGTAGACAAACATTTTTTTGTATATGTAGCATTTTTTTGGATGCG[G>A]AGACTCGAAGAGCGATGGGAGAACAAGCTGTAGCTCTTGCCAGAGCAGTAAAATATTCCT-3'
Protein context (NP_000273.2, residues 301-321): EEAPSIFLDA[Glu311Lys]TRRAMGEQAV

ClinVar aggregate classification (germline): Uncertain significance (1 of 4 stars; one submission).

Conditions:
Propionic acidemia (PROP). Also called: GLYCINEMIA, KETOTIC; HYPERGLYCINEMIA WITH KETOACIDOSIS AND LEUKOPENIA; KETOTIC HYPERGLYCINEMIA. Identifiers: Orphanet 35, MedGen C0268579, MONDO:0011628, OMIM 606054, HP:0003571.

Submission:

Labcorp Genetics (formerly Invitae), Labcorp
Classification: Uncertain significance for Propionic acidemia. Last evaluated: 2024-03-16. Review status: criteria provided, single submitter. Criteria: Invitae Variant Classification Sherloc (09022015). Collection method: clinical testing. Allele origin: germline.
Comment: This sequence change replaces glutamic acid, which is acidic and polar, with lysine, which is basic and polar, at codon 311 of the PCCA protein (p.Glu311Lys). This variant is not present in population databases (gnomAD no frequency). This variant has not been reported in the literature in individuals affected with PCCA-related conditions. Algorithms developed to predict the effect of missense changes on protein structure and function output the following: SIFT: "Not Available"; PolyPhen-2: "Benign"; Align-GVGD: "Not Available". The lysine amino acid residue is found in multiple mammalian species, which suggests that this missense change does not adversely affect protein function. In summary, the available evidence is currently insufficient to determine the role of this variant in disease. Therefore, it has been classified as a Variant of Uncertain Significance.